The following is an entry in ClinVar:

NM_001267550.2(TTN):c.16868G>T (p.Gly5623Val)

Genes: TTN (titin; minus strand), LOC126806431 (CDK7 strongly-dependent group 2 enhancer GRCh37_chr2:179595719-179596918; plus strand). Cytogenetic location: 2q31.2.
Variant type: single nucleotide variant.
Coding change: c.16868G>T on transcript NM_001267550.2 (MANE Select); coding-DNA position 16868, G replaced by T.
Protein change: p.Gly5623Val; replaces glycine 5623 with valine.
Molecular consequence: missense variant. On other transcripts: intron variant (3).
Genome position (GRCh38, 1-based): chr2:178,732,101, C>A on the plus strand (G>T on the coding strand, the complement: TTN is on the minus strand). VCF-style: chr2-178732101-C-A. GRCh37 (hg19) VCF-style: chr2-179596828-C-A.
Other names: c.16868G>T (NM_001267550.1); c.15917G>T, p.Gly5306Val (NM_001256850.1); c.13136G>T, p.Gly4379Val (NM_133378.4); c.13282+5981G>T (NM_003319.4); c.13858+5981G>T (NM_133437.4); c.13657+5981G>T (NM_133432.3); short protein forms G5623V, G5306V, G4379V.
Identifiers: ClinVar variation 535606 (VCV000535606.4), dbSNP rs768364912, ClinGen allele CA2001967.

ClinVar aggregate classification (germline): Uncertain significance. Review status: criteria provided, multiple submitters, no conflicts (2 of 4 stars). 2 submissions from 2 submitters: Uncertain significance (2). Last evaluated 2024-08-19.

Conditions:
Autosomal recessive limb-girdle muscular dystrophy type 2J (LGMDR10). Also called: Limb-girdle muscular dystrophy, type 2J; MUSCULAR DYSTROPHY, LIMB-GIRDLE, AUTOSOMAL RECESSIVE 10. Identifiers: Orphanet 140922, MedGen C1837342, MONDO:0012127, OMIM 608807.
Dilated cardiomyopathy 1G (CMD1G). Identifiers: Orphanet 154, MedGen C1858763, MONDO:0011400, OMIM 604145.

Allele frequency attached by ClinVar (database versions not stated): gnomAD exomes 0.00002; ExAC 0.00003.
gnomAD v4.1: 8 of 1,612,480 alleles (0.0005%); highest among the groups gnomAD compares: East Asian, 0.0067%; no homozygotes.

Submissions (2):

GeneDx
Classification: Uncertain significance. Last evaluated: 2024-08-19. Review status: criteria provided, single submitter. Criteria: GeneDx Variant Classification Process June 2021. Collection method: clinical testing. Allele origin: germline. Affected: yes.
Comment: Not observed at significant frequency in large population cohorts (gnomAD); Missense variant in a gene in which most reported pathogenic variants are truncating/loss of function; Has not been previously published as pathogenic or benign to our knowledge

Labcorp Genetics (formerly Invitae), Labcorp
Classification: Uncertain significance for Dilated cardiomyopathy 1G; Autosomal recessive limb-girdle muscular dystrophy type 2J. Last evaluated: 2018-01-10. Review status: criteria provided, single submitter. Criteria: Invitae Variant Classification Sherloc (09022015). Collection method: clinical testing. Allele origin: germline.